The following is an entry in ClinVar:

NM_206933.4(USH2A):c.10712C>T (p.Thr3571Met)

Gene: USH2A (usherin; minus strand). Cytogenetic location: 1q41.
Variant type: single nucleotide variant.
Coding change: c.10712C>T on transcript NM_206933.4 (MANE Select); coding-DNA position 10712, C replaced by T.
Protein change: p.Thr3571Met; replaces threonine 3571 with methionine.
Molecular consequence: missense variant.
Genome position (GRCh38, 1-based): chr1:215,782,070, G>A on the plus strand (C>T on the coding strand, the complement: USH2A is on the minus strand). VCF-style: chr1-215782070-G-A. GRCh37 (hg19) VCF-style: chr1-215955412-G-A.
Other names: NM_206933.2:c.10712C>T(p.Thr3571Met); NP_996816.3:p.(Thr3571Met); c.10712C>T (NM_206933.3); short protein forms T3571M.
Identifiers: ClinVar variation 48355 (VCV000048355.64), dbSNP rs202175091, ClinGen allele CA262060.

ClinVar aggregate classification (germline): Pathogenic/Likely pathogenic. Review status: criteria provided, multiple submitters, no conflicts (2 of 4 stars). 17 submissions from 16 submitters: Pathogenic (10); Likely pathogenic (6). 1 of the submissions does not count toward it. Last evaluated 2026-01-29.

Conditions:
Usher syndrome. Also called: Usher Syndromes; Usher's syndrome. Identifiers: Orphanet 886, MedGen CN469326, MeSH D052245, MONDO:0019501. Disease mechanism: loss of function.
USH2A-related disorder. Also called: USH2A-related disorders; USH2A-related condition. Identifiers: MedGen CN239332.
Rare genetic deafness. Identifiers: Orphanet 96210, MedGen C5680250.
Retinitis pigmentosa 39 (RP39). Identifiers: Orphanet 791, MedGen C3151138, MONDO:0013436, OMIM 613809.
Usher syndrome type 2A. Also called: USHER SYNDROME, TYPE IIA; RETINAL DISEASE IN USHER SYNDROME TYPE IIA, MODIFIER OF. Identifiers: Orphanet 231178, Orphanet 886, MedGen C1848634, MONDO:0010169, OMIM 276901.
Nonsyndromic genetic hearing loss. Also called: Nonsyndromic genetic deafness; Non-syndromic genetic deafness; Nonsyndromic hearing loss and deafness. Identifiers: Orphanet 87884, MedGen C5680182, MONDO:0019497.
Retinitis pigmentosa (RP). Identifiers: Orphanet 791, MedGen C0035334, MeSH D012174, MONDO:0019200, OMIM 268000. Inheritance: Autosomal dominant, autosomal recessive and X linked inheritance.

Allele frequency attached by ClinVar (database versions not stated): TOPMed 0.00003; gnomAD 0.00001; gnomAD exomes 0.00001; ExAC 0.00002.
gnomAD v4.1: 15 of 1,613,836 alleles (0.00093%); highest among the groups gnomAD compares: East Asian, 0.0022%; no homozygotes.

Submissions (17):

Labcorp Genetics (formerly Invitae), Labcorp
Classification: Pathogenic. Last evaluated: 2026-01-29. Review status: criteria provided, single submitter. Criteria: Invitae Variant Classification Sherloc (09022015). Collection method: clinical testing. Allele origin: germline.
Comment: This sequence change replaces threonine, which is neutral and polar, with methionine, which is neutral and non-polar, at codon 3571 of the USH2A protein (p.Thr3571Met). This variant is present in population databases (rs202175091, gnomAD 0.007%). This missense change has been observed in individual(s) with Usher syndrome type 2 (PMID: 17085681, 21569298, 28653555, 28894305). In at least one individual the data is consistent with being in trans (on the opposite chromosome) from a pathogenic variant. ClinVar contains an entry for this variant (Variation ID: 48355). Invitae Evidence Modeling of protein sequence and biophysical properties (such as structural, functional, and spatial information, amino acid conservation, physicochemical variation, residue mobility, and thermodynamic stability) has been performed for this missense variant. However, the output from this modeling did not meet the statistical confidence thresholds required to predict the impact of this variant on USH2A protein function. For these reasons, this variant has been classified as Pathogenic.

Natera, Inc.
Classification: Pathogenic for Usher syndrome type 2A. Last evaluated: 2025-09-03. Review status: criteria provided, single submitter. Criteria: Natera Variant Classification Schema (03/2026). Collection method: clinical testing. Allele origin: germline.
Comment: The c.10712C>T variant in USH2A is a missense variant predicted to cause substitution of threonine to methionine at amino acid 3571. This variant is rare in the general population with a frequency below the threshold expected for the associated phenotype(s). This variant has been observed in one or more individuals affected with the associated recessive disease, as either homozygous or compound heterozygous with a second variant (PMID: 27460420). Computational prediction algorithms indicate this variant is likely to affect gene or protein function. Given the available evidence, this variant is classified as Pathogenic.

Baylor Genetics
Classification: Pathogenic for Retinitis pigmentosa 39. Last evaluated: 2024-01-23. Review status: criteria provided, single submitter. Criteria: ACMG Guidelines, 2015. Collection method: clinical testing. Allele origin: unknown.

Fulgent Genetics
Classification: Pathogenic for Usher syndrome type 2A; Retinitis pigmentosa 39. Last evaluated: 2024-01-21. Review status: criteria provided, single submitter. Criteria: ACMG Guidelines, 2015. Collection method: clinical testing. Allele origin: germline.

Genome-Nilou Lab
Classification: Likely pathogenic for Retinitis pigmentosa 39. Last evaluated: 2023-11-04. Review status: criteria provided, single submitter. Criteria: ACMG Guidelines, 2015. Collection method: clinical testing. Allele origin: germline. Affected: no.

Genome-Nilou Lab
Classification: Likely pathogenic for Usher syndrome type 2A. Last evaluated: 2023-11-04. Review status: criteria provided, single submitter. Criteria: ACMG Guidelines, 2015. Collection method: clinical testing. Allele origin: germline. Affected: no.

Women's Health and Genetics/Laboratory Corporation of America, LabCorp
Classification: Pathogenic for Usher syndrome. Last evaluated: 2023-07-28. Review status: criteria provided, single submitter. Criteria: LabCorp Variant Classification Summary - May 2015. Collection method: clinical testing. Allele origin: germline.
Comment: Variant summary: USH2A c.10712C>T (p.Thr3571Met) results in a non-conservative amino acid change located in the a fibronectin type III domain (IPR003961) of the encoded protein sequence. Five of five in-silico tools predict a damaging effect of the variant on protein function. The variant allele was found at a frequency of 1.2e-05 in 251304 control chromosomes (i.e., 3 heterozygotes; gnomAD v2.1 Exomes dataset). The available data on variant occurrences in the general population are insufficient to allow any conclusion about variant significance. c.10712C>T has been reported in the literature in multiple compound heterozygous and homozygous individuals affected with Usher Syndrome (e.g., Jaijo_2010, Bonnet_2016). These data indicate that the variant is very likely to be associated with disease. The following publications have been ascertained in the context of this evaluation (PMID: 27460420, 19683999). Ten submitters have reported clinical-significance assessments for this variant to ClinVar after 2014. All submitters classified the variant as pathogenic/likely pathogenic. Based on the evidence outlined above, the variant was classified as pathogenic.

Ophthalmic Genetics Group, Institute of Molecular and Clinical Ophthalmology Basel
Classification: Likely pathogenic for Retinitis pigmentosa. Last evaluated: 2023-07-24. Review status: criteria provided, single submitter. Criteria: ACMG Guidelines, 2015. Collection method: research. Allele origin: germline. Affected: yes. Observed: 1 variant allele.
Comment: Clinical significance based on ACMG v2.0

This variant was classified as Likely pathogenic based on ACMG criteria: PP5, PM2, PM5, PM1.

Mendelics
Classification: Pathogenic for Usher syndrome type 2A. Last evaluated: 2022-05-04. Review status: criteria provided, single submitter. Criteria: Mendelics Assertion Criteria 2019. Collection method: clinical testing. Allele origin: germline.

Blueprint Genetics
Classification: Pathogenic for USH2A-related disorders. Last evaluated: 2022-04-29. Review status: criteria provided, single submitter. Criteria: ACMG Guidelines, 2015. Collection method: clinical testing. Allele origin: germline. Affected: yes. Observed: 5 variant alleles.

CeGaT Center for Human Genetics Tuebingen
Classification: Pathogenic. Last evaluated: 2021-10-01. Review status: criteria provided, single submitter. Criteria: CeGaT Center For Human Genetics Tuebingen Variant Classification Criteria Version 2. Collection method: clinical testing. Allele origin: germline. Affected: yes. Observed: 1 variant allele.

Laboratory of Medical Genetics, National & Kapodistrian University of Athens
Classification: Pathogenic for Usher syndrome type 2A. Last evaluated: 2021-10-01. Review status: criteria provided, single submitter. Criteria: ACMG Guidelines, 2015. Collection method: clinical testing. Allele origin: unknown. Affected: yes.
Comment: PM1, PM2, PP3, PP5

INGEBI, INGEBI / CONICET
Classification: Pathogenic for Nonsyndromic genetic hearing loss. Last evaluated: 2021-07-15. Review status: criteria provided, single submitter. Criteria: ClinGen HL ACMG Specifications v1. Collection method: clinical testing. Allele origin: germline. Inheritance: Autosomal recessive inheritance. Affected: yes.
Comment: Based on ACMG/AMP guidelines and Hearing Loss Expert Panel specific criteria: The c.10712 C>T variant (p.T3571M) in USH2A gene has been identified in a singleton (1/16256 alleles) in african population obtained from gnomAD database, meeting PM2 rule. This variant has been identified in trans with at least 10 different pathogenic variants in Usher Syndrome Type 2A applying to PM3_VS and PP4 rules (PMID: 17085681, 17405132, 19737284, 19683999, 21569298, 25252889, 25575603, 27460420, 28653555, 28894305 and this report). The c.10712 C>T variant in trans with p.Thr5035Argfs*142 segregated correctly in a familial case with two Usher Syndrome affected siblings and three unafffected siblings, meeting PP1_Mod rule (PMID: 2525289). Taking all the evidence together: PM2, PM3_VS, PP4, PP1_Mod The c.10712 C>T variant in USH2A gene is classified as Pathogenic for Usher Syndrome type 2A.

Ocular Genomics Institute, Massachusetts Eye and Ear
Classification: Likely pathogenic for Retinitis pigmentosa 39. Last evaluated: 2021-04-08. Review status: criteria provided, single submitter. Criteria: ACMG Guidelines, 2015. Collection method: research. Allele origin: germline. Affected: yes.
Comment: Through a review of available evidence we were able to apply the following criteria: PM2, PM3, PP1, PP3. Based on this evidence we have classified this variant as Likely Pathogenic.

SIB Swiss Institute of Bioinformatics
Classification: Likely pathogenic for Usher syndrome type 2A. Last evaluated: 2018-04-16. Review status: criteria provided, single submitter. Criteria: ACMG Guidelines, 2015. Collection method: curation. Allele origin: germline.
Comment: This variant is interpreted as a Likely Pathogenic, for Usher syndrome type 2A, Autosomal Recessive inheritance. The following ACMG Tag(s) were applied: PM2 => Absent from controls (or at extremely low frequency if recessive) in Exome Sequencing Project, 1000 Genomes Project, or Exome Aggregation Consortium. PM3 => For recessive disorders, detected in trans with a pathogenic variant. PP3 => Multiple lines of computational evidence support a deleterious effect on the gene or gene product. PP1 => Cosegregation with disease in multiple affected family members in a gene definitively known to cause the disease.

Laboratory for Molecular Medicine, Mass General Brigham Personalized Medicine
Classification: Likely pathogenic for Rare genetic deafness. Last evaluated: 2012-04-13. Review status: criteria provided, single submitter. Criteria: LMM Criteria. Collection method: clinical testing. Allele origin: germline. Inheritance: Autosomal recessive inheritance. Observed: 1 variant allele.
Comment: This Thr3571Met variant has been identified in 12 individuals or families with U sher syndrome, 10 of whom were homozygous or compound heterozygous, and was abse nt from over 1000 controls (Jaijo 2010, Bonnet 2011, Aller 2006, Baux 2007, Na kanishi 2009, Greenstein 2012). This data suggests that this variant is likely t o be pathogenic, though additional segregation studies and/or functional analyse s are required to fully establish the pathogenicity of this variant.

Counsyl
Classification: Pathogenic for Usher syndrome type 2A; Retinitis pigmentosa 39. Last evaluated: 2017-04-04. Review status: no assertion criteria provided. Collection method: clinical testing. Allele origin: unknown. Not counted in ClinVar's aggregate classification.

Literature cited by the submitters: PubMed 17085681 (cited by 5 submitters); PubMed 21569298 (cited by 4 submitters); PubMed 28653555 (cited by Labcorp Genetics (formerly Invitae), Labcorp and INGEBI, INGEBI / CONICET); PubMed 28894305 (cited by Labcorp Genetics (formerly Invitae), Labcorp and INGEBI, INGEBI / CONICET); PubMed 27460420 (cited by 5 submitters); PubMed 19683999 (cited by 5 submitters); PubMed 36909829 (cited by Ophthalmic Genetics Group, Institute of Molecular and Clinical Ophthalmology Basel); PubMed 34008892 (cited by Laboratory of Medical Genetics, National & Kapodistrian University of Athens); PubMed 17405132 (cited by 3 submitters); PubMed 19737284 (cited by 5 submitters); PubMed 25252889 (cited by INGEBI, INGEBI / CONICET and Counsyl); PubMed 25575603 (cited by INGEBI, INGEBI / CONICET and Counsyl); PubMed 2525289 (cited by INGEBI, INGEBI / CONICET); PubMed 21909055 (cited by Ocular Genomics Institute, Massachusetts Eye and Ear and Laboratory for Molecular Medicine, Mass General Brigham Personalized Medicine).